The following is an entry in ClinVar:

ClinVar aggregate classification (germline): Pathogenic (1 of 4 stars; one submission).

Conditions:
Melanoma-pancreatic cancer syndrome. Identifiers: Orphanet 404560, MedGen C1838547, MONDO:0011713, OMIM 606719. Disease mechanism: loss of function.

Submission:

Myriad Genetics, Inc.
Classification: Pathogenic for Melanoma-pancreatic cancer syndrome. Last evaluated: 2025-08-14. Review status: criteria provided, single submitter. Criteria: Myriad Autosomal Dominant, Autosomal Recessive and X-Linked Classification Criteria (2023). Collection method: clinical testing. Allele origin: unknown.
Comment: This variant is considered pathogenic. This variant creates a frameshift predicted to result in premature protein truncation.

NM_000077.5(CDKN2A):c.68dup (p.Arg24fs)

Gene: CDKN2A (cyclin dependent kinase inhibitor 2A; minus strand). Cytogenetic location: 9p21.3.
Variant type: Duplication.
Coding change: c.68dup on transcript NM_000077.5; coding-DNA position 68, one base duplicated (G; older notation c.68dupG).
Protein change: p.Arg24fs; shifts the reading frame from arginine 24.
Molecular consequence: frameshift variant (on NM_000077.6). On other transcripts: intron variant (2).
Genome position (GRCh38, 1-based): chr9:21,974,760, C duplicated on the plus strand (G on the coding strand, the reverse complement: CDKN2A is on the minus strand); the first of 4 consecutive C bases (chr9:21,974,760-21,974,763); duplicating any one gives the same sequence. VCF-style (leftmost placement, unchanged base first): chr9-21974759-A-AC. GRCh37 (hg19) VCF-style: chr9-21974758-A-AC.
Other names: c.65dup, p.Arg24Serfs (NM_000077.6); c.68dup, p.Arg24fs (NM_001195132.2, NM_058197.5); c.-3-3552dup (NM_001363763.2); c.194-3552dup (NM_058195.4); short protein forms R24fs.
Identifiers: ClinVar variation 4294280 (VCV004294280.1).